The following is an entry in ClinVar:

NM_173523.2(MAGEB6):c.1085G>A (p.Arg362Gln)

Gene: MAGEB6 (MAGE family member B6; plus strand). Cytogenetic location: Xp21.3.
Variant type: single nucleotide variant.
Coding change: c.1085G>A on transcript NM_173523.2 (MANE Select); coding-DNA position 1085, G replaced by A.
Protein change: p.Arg362Gln; replaces arginine 362 with glutamine.
Molecular consequence: missense variant.
Genome position (GRCh38, 1-based): chrX:26,194,931, G>A. VCF-style: chrX-26194931-G-A. GRCh37 (hg19) VCF-style: chrX-26213048-G-A.
Other names: short protein forms R362Q.
Identifiers: ClinVar variation 2660210 (VCV002660210.24), dbSNP rs1460744764, ClinGen allele CA412618409.

ClinVar aggregate classification (germline): Likely benign (1 of 4 stars; one submission).

Allele frequency attached by ClinVar (database versions not stated): gnomAD exomes below 0.00001; TOPMed 0.00002; gnomAD 0.00004.
gnomAD v4.1: 6 of 1,209,956 alleles (0.0005%); highest among the groups gnomAD compares: East Asian, 0.0059%; no homozygotes.

Submission:

CeGaT Center for Human Genetics Tuebingen
Classification: Likely benign. Last evaluated: 2022-12-01. Review status: criteria provided, single submitter. Criteria: CeGaT Center For Human Genetics Tuebingen Variant Classification Criteria Version 2. Collection method: clinical testing. Allele origin: germline. Affected: yes. Observed: 1 variant allele.
Comment: MAGEB6: BP4, BS2